The following is an entry in ClinVar:

ClinVar aggregate classification (germline): Uncertain significance (1 of 4 stars; one submission).

Conditions:
Cohen syndrome (COH1). Also called: Cutis verticis gyrata, retinitis pigmentosa, and sensorineural deafness; PEPPER SYNDROME. Identifiers: Orphanet 193, MedGen C0265223, MONDO:0008999, OMIM 216550.

Allele frequency attached by ClinVar (database versions not stated): gnomAD exomes below 0.00001.
gnomAD v4.1: 1 of 1,613,922 alleles (0.000062%); highest among the groups gnomAD compares: African/African-American, 0.0013%; no homozygotes.

Submission:

Labcorp Genetics (formerly Invitae), Labcorp
Classification: Uncertain significance for Cohen syndrome. Last evaluated: 2023-12-23. Review status: criteria provided, single submitter. Criteria: Invitae Variant Classification Sherloc (09022015). Collection method: clinical testing. Allele origin: germline.
Comment: This sequence change replaces proline, which is neutral and non-polar, with serine, which is neutral and polar, at codon 2344 of the VPS13B protein (p.Pro2344Ser). This variant is not present in population databases (gnomAD no frequency). This variant has not been reported in the literature in individuals affected with VPS13B-related conditions. Advanced modeling of protein sequence and biophysical properties (such as structural, functional, and spatial information, amino acid conservation, physicochemical variation, residue mobility, and thermodynamic stability) performed at Invitae indicates that this missense variant is expected to disrupt VPS13B protein function with a positive predictive value of 80%. In summary, the available evidence is currently insufficient to determine the role of this variant in disease. Therefore, it has been classified as a Variant of Uncertain Significance.

NM_152564.5(VPS13B):c.6955C>T (p.Pro2319Ser)

Gene: VPS13B (vacuolar protein sorting 13 homolog B; plus strand). Cytogenetic location: 8q22.2.
Variant type: single nucleotide variant.
Coding change: c.6955C>T on transcript NM_152564.5 (MANE Select); coding-DNA position 6955, C replaced by T.
Protein change: p.Pro2319Ser; replaces proline 2319 with serine.
Molecular consequence: missense variant.
Genome position (GRCh38, 1-based): chr8:99,720,952, C>T. VCF-style: chr8-99720952-C-T. GRCh37 (hg19) VCF-style: chr8-100733180-C-T.
Other names: c.7030C>T, p.Pro2344Ser (NM_017890.5); short protein forms P2319S, P2344S.
Identifiers: ClinVar variation 2963864 (VCV002963864.3), dbSNP rs2130343418, ClinGen allele CA371868481.